The following is an entry in ClinVar:

NM_030753.5(WNT3):c.436A>G (p.Lys146Glu)

Genes: LRRC37A2 (leucine rich repeat containing 37 member A2), WNT3 (Wnt family member 3; minus strand). Cytogenetic location: 17q21.31.
Variant type: single nucleotide variant.
Coding change: c.436A>G on transcript NM_030753.5 (MANE Select); coding-DNA position 436, A replaced by G.
Protein change: p.Lys146Glu; replaces lysine 146 with glutamic acid.
Molecular consequence: missense variant.
Genome position (GRCh38, 1-based): chr17:46,769,935, T>C on the plus strand (A>G on the coding strand, the complement: WNT3 is on the minus strand). VCF-style: chr17-46769935-T-C. GRCh37 (hg19) VCF-style: chr17-44847301-T-C.
Other names: short protein forms K146E.
Identifiers: ClinVar variation 1967997 (VCV001967997.5), dbSNP rs749108256, ClinGen allele CA8620596.

ClinVar aggregate classification (germline): Uncertain significance (1 of 4 stars; one submission).

Allele frequency attached by ClinVar (database versions not stated): gnomAD exomes 0.00001; TOPMed 0.00001; ExAC 0.00002; gnomAD 0.00002.
gnomAD v4.1: 20 of 1,613,228 alleles (0.0012%); highest among the groups gnomAD compares: Non-Finnish European, 0.0017%; no homozygotes.

Submission:

Labcorp Genetics (formerly Invitae), Labcorp
Classification: Uncertain significance. Last evaluated: 2023-11-02. Review status: criteria provided, single submitter. Criteria: Invitae Variant Classification Sherloc (09022015). Collection method: clinical testing. Allele origin: germline.
Comment: This sequence change replaces lysine, which is basic and polar, with glutamic acid, which is acidic and polar, at codon 146 of the WNT3 protein (p.Lys146Glu). This variant is present in population databases (rs749108256, gnomAD 0.003%). This variant has not been reported in the literature in individuals affected with WNT3-related conditions. ClinVar contains an entry for this variant (Variation ID: 1967997). Advanced modeling of protein sequence and biophysical properties (such as structural, functional, and spatial information, amino acid conservation, physicochemical variation, residue mobility, and thermodynamic stability) performed at Invitae indicates that this missense variant is not expected to disrupt WNT3 protein function with a negative predictive value of 80%. In summary, the available evidence is currently insufficient to determine the role of this variant in disease. Therefore, it has been classified as a Variant of Uncertain Significance.